The following is an entry in ClinVar:

NM_181332.3(NLGN4X):c.1327C>G (p.Leu443Val)

Gene: NLGN4X (neuroligin 4 X-linked; minus strand). Cytogenetic location: Xp22.32.
Variant type: single nucleotide variant.
Coding change: c.1327C>G on transcript NM_181332.3 (MANE Select); coding-DNA position 1327, C replaced by G.
Protein change: p.Leu443Val; replaces leucine 443 with valine.
Molecular consequence: missense variant.
Genome position (GRCh38, 1-based): chrX:5,903,351, G>C on the plus strand (C>G on the coding strand, the complement: NLGN4X is on the minus strand). VCF-style: chrX-5903351-G-C. GRCh37 (hg19) VCF-style: chrX-5821392-G-C.
Other names: c.1327C>G, p.Leu443Val (NM_001282145.2, NM_001282146.2, NM_020742.4); short protein forms L443V.
Identifiers: ClinVar variation 423699 (VCV000423699.2), dbSNP rs1064796586, ClinGen allele CA16621457.
Genomic context (GRCh38, chrX:5,903,351, plus strand): 5'-ACTGCGCGTGCAGGTCGGCGGTGGCCACGGCGGGGGCCACCCACTGGTGGTCAGTAAAGA[G>C]AGCCACCAGGGTTTTCCGCCGCGTCTCCGGGTTTTCCTTATCGGCCCAGTCTGTGTACAT-3'
Protein context (NP_851849.1, residues 433-453): PETRRKTLVA[Leu443Val]FTDHQWVAPA

ClinVar aggregate classification (germline): Uncertain significance (1 of 4 stars; one submission).

Submission:

GeneDx
Classification: Uncertain significance. Last evaluated: 2017-02-21. Review status: criteria provided, single submitter. Criteria: GeneDx Variant Classification (06012015). Collection method: clinical testing. Allele origin: germline. Affected: yes.
Comment: The L443V variant in the NLGN4X gene has has not been reported previously as a pathogenic variant, nor as a benign variant, to our knowledge. The L443V variant is not observed in large population cohorts (Lek et al., 2016; 1000 Genomes Consortium et al., 2015; Exome Variant Server). The L443V variant is a conservative amino acid substitution, which is not likely to impact secondary protein structure as these residues share similar properties. This substitution occurs at a position that is conserved across species, but in silico analysis is inconsistent in its predictions as to whether or not the variant is damaging to the protein structure/function. We interpret L443V as a variant of uncertain significance.